The following is an entry in ClinVar:

ClinVar aggregate classification (germline): Uncertain significance. Review status: criteria provided, multiple submitters, no conflicts (2 of 4 stars). 2 submissions from 2 submitters: Uncertain significance (2). Last evaluated 2023-12-08.

Conditions:
Developmental and epileptic encephalopathy, 5 (DEE5). Identifiers: Orphanet 3451, MedGen C3150731, MONDO:0013277, OMIM 613477.
Early-infantile DEE. Also called: Ohtahara syndrome; Early infantile epileptic encephalopathy with suppression bursts; Early infantile epileptic encephalopathy. Identifiers: Orphanet 1934, MedGen C0393706, MONDO:0800491.

Allele frequency attached by ClinVar (database versions not stated): gnomAD exomes below 0.00001; gnomAD 0.00001; TOPMed 0.00001.
gnomAD v4.1: 2 of 1,613,988 alleles (0.00012%); highest among the groups gnomAD compares: African/African-American, 0.0027%; no homozygotes.

Submissions (2):

Labcorp Genetics (formerly Invitae), Labcorp
Classification: Uncertain significance for Early-infantile DEE. Last evaluated: 2023-12-08. Review status: criteria provided, single submitter. Criteria: Invitae Variant Classification Sherloc (09022015). Collection method: clinical testing. Allele origin: germline.
Comment: This sequence change replaces isoleucine, which is neutral and non-polar, with threonine, which is neutral and polar, at codon 1891 of the SPTAN1 protein (p.Ile1891Thr). This variant is not present in population databases (gnomAD no frequency). This variant has not been reported in the literature in individuals affected with SPTAN1-related conditions. ClinVar contains an entry for this variant (Variation ID: 936279). Advanced modeling of protein sequence and biophysical properties (such as structural, functional, and spatial information, amino acid conservation, physicochemical variation, residue mobility, and thermodynamic stability) has been performed at Invitae for this missense variant, however the output from this modeling did not meet the statistical confidence thresholds required to predict the impact of this variant on SPTAN1 protein function. In summary, the available evidence is currently insufficient to determine the role of this variant in disease. Therefore, it has been classified as a Variant of Uncertain Significance.

Center for Genomics, Ann and Robert H. Lurie Children's Hospital of Chicago
Classification: Uncertain significance for Developmental and epileptic encephalopathy, 5. Last evaluated: 2021-03-30. Review status: criteria provided, single submitter. Criteria: ACMG Guidelines, 2015. Collection method: clinical testing. Allele origin: germline.
Comment: SPTAN1 NM_001195532 exon42 p.Ile1866Thr (c.5597T>C): This variant has not been reported in the literature and is not present in large control databases. Evolutionary conservation and computational predictive tools for this variant are unclear. In summary, data on this variant is insufficient for disease classification. Therefore, the clinical significance of this variant is uncertain.

NM_001130438.3(SPTAN1):c.5672T>C (p.Ile1891Thr)

Gene: SPTAN1 (spectrin alpha, non-erythrocytic 1; plus strand). Cytogenetic location: 9q34.11.
Variant type: single nucleotide variant.
Coding change: c.5672T>C on transcript NM_001130438.3 (MANE Select); coding-DNA position 5672, T replaced by C.
Protein change: p.Ile1891Thr; replaces isoleucine 1891 with threonine.
Molecular consequence: missense variant.
Genome position (GRCh38, 1-based): chr9:128,618,942, T>C. VCF-style: chr9-128618942-T-C. GRCh37 (hg19) VCF-style: chr9-131381221-T-C.
Other names: c.5597T>C, p.Ile1866Thr (NM_001195532.2); c.5672T>C, p.Ile1891Thr (NM_001363759.2, NM_001375310.1, NM_001375311.2 and 1 more transcripts); c.5612T>C, p.Ile1871Thr (NM_001363765.2, NM_001375314.2); c.5708T>C, p.Ile1903Thr (NM_001375312.2, NM_001375318.1); c.5657T>C, p.Ile1886Thr (NM_003127.4); short protein forms I1903T, I1871T, I1891T, I1866T, I1886T.
Identifiers: ClinVar variation 936279 (VCV000936279.11), dbSNP rs961696023, ClinGen allele CA200402165.